The following is an entry in ClinVar:

NM_001127222.2(CACNA1A):c.3886A>T (p.Ile1296Phe)

Genes: CACNA1A (calcium voltage-gated channel subunit alpha1 A; minus strand), LOC126862865 (CDK7 strongly-dependent group 2 enhancer GRCh37_chr19:13385818-13387017; plus strand). Cytogenetic location: 19p13.13.
Variant type: single nucleotide variant.
Coding change: c.3886A>T on transcript NM_001127222.2 (MANE Select); coding-DNA position 3886, A replaced by T.
Protein change: p.Ile1296Phe; replaces isoleucine 1296 with phenylalanine.
Molecular consequence: missense variant.
Genome position (GRCh38, 1-based): chr19:13,275,953, T>A on the plus strand (A>T on the coding strand, the complement: CACNA1A is on the minus strand). VCF-style: chr19-13275953-T-A. GRCh37 (hg19) VCF-style: chr19-13386767-T-A.
Other names: c.3898A>T, p.Ile1300Phe (NM_000068.4, NM_023035.3); c.3889A>T, p.Ile1297Phe (NM_001127221.2, NM_001174080.2); short protein forms I1296F, I1297F, I1300F.
Identifiers: ClinVar variation 3754159 (VCV003754159.2).
Genomic context (GRCh38, chr19:13,275,953, plus strand): 5'-CGAGAATATTCCAGAGGTCACGGAAGTAGGCACCCTGATGCAGGACGAGCCCCAGGTCAA[T>A]CATCTGTGGGGGAGAAGAGAGGGTGCTCAGAACCCCCACCTGATCCCCACCCTGGGGTGC-3'
Protein context (NP_001120694.1, residues 1286-1306): VFTFEMVIKM[Ile1296Phe]DLGLVLHQGA

ClinVar aggregate classification (germline): Uncertain significance (1 of 4 stars; one submission).

Conditions:
Episodic ataxia type 2 (EA2). Also called: ATAXIA, EPISODIC, WITH NYSTAGMUS; ATAXIA, FAMILIAL PAROXYSMAL; ACETAZOLAMIDE-RESPONSIVE HEREDITARY PAROXYSMAL CEREBELLAR ATAXIA; CEREBELLAR ATAXIA, PAROXYSMAL, ACETAZOLAMIDE-RESPONSIVE; CEREBELLOPATHY, HEREDITARY PAROXYSMAL; EPISODIC ATAXIA, NYSTAGMUS-ASSOCIATED. Identifiers: Orphanet 97, MedGen C1720416, MONDO:0007163, OMIM 108500.
Developmental and epileptic encephalopathy, 42 (DEE42A). Also called: Epileptic encephalopathy, early infantile, 42; DEVELOPMENTAL AND EPILEPTIC ENCEPHALOPATHY 42A; EPILEPTIC ENCEPHALOPATHY, EARLY INFANTILE, 42A. Identifiers: MedGen C4310716, MONDO:0014917, OMIM 617106.

gnomAD v4.1: 1 of 1,608,760 alleles (0.000062%); highest among the groups gnomAD compares: Non-Finnish European, 0.000085%; no homozygotes.

Submission:

Labcorp Genetics (formerly Invitae), Labcorp
Classification: Uncertain significance for Developmental and epileptic encephalopathy, 42; Episodic ataxia type 2. Last evaluated: 2024-04-03. Review status: criteria provided, single submitter. Criteria: Invitae Variant Classification Sherloc (09022015). Collection method: clinical testing. Allele origin: germline.
Comment: This sequence change replaces isoleucine, which is neutral and non-polar, with phenylalanine, which is neutral and non-polar, at codon 1297 of the CACNA1A protein (p.Ile1297Phe). This variant is not present in population databases (gnomAD no frequency). This variant has not been reported in the literature in individuals affected with CACNA1A-related conditions. Advanced modeling of protein sequence and biophysical properties (such as structural, functional, and spatial information, amino acid conservation, physicochemical variation, residue mobility, and thermodynamic stability) has been performed at Invitae for this missense variant, however the output from this modeling did not meet the statistical confidence thresholds required to predict the impact of this variant on CACNA1A protein function. In summary, the available evidence is currently insufficient to determine the role of this variant in disease. Therefore, it has been classified as a Variant of Uncertain Significance.